The following is an entry in ClinVar:

ClinVar aggregate classification (germline): Uncertain significance (1 of 4 stars; one submission).

Conditions:
Mitochondrial short-chain Enoyl-Coa hydratase 1 deficiency. Also called: PxMD-ECHS1; Mitochondrial Short-Chain Enoyl-CoA Hydratase Deficiency; ECHS1 deficiency. Identifiers: Orphanet 255241, Orphanet 653880, MedGen C4225391, MONDO:0014563, OMIM 616277.

gnomAD v4.1: 1 of 1,612,862 alleles (0.000062%); highest among the groups gnomAD compares: Non-Finnish European, 0.000085%; no homozygotes.

Submission:

Victorian Clinical Genetics Services, Murdoch Childrens Research Institute
Classification: Uncertain significance for Mitochondrial short-chain Enoyl-Coa hydratase 1 deficiency. Last evaluated: 2026-01-09. Review status: criteria provided, single submitter. Criteria: ACMG Guidelines, 2015. Collection method: clinical testing. Allele origin: germline. Affected: yes.
Comment: This variant is classified as VUS-3A. Evidence in support of pathogenic classification: Variant is present in gnomAD <0.01 for a recessive condition (v4: 1 heterozygote(s), 0 homozygote(s)); Strong phenotype match for this individual; Heterozygous variant detected in trans with a second PATHOGENIC heterozygous variant (NM_004092.4(ECHS1):c.583G>A; p.(Gly195Ser)) in a recessive disease. Evidence in support of benign classification: Missense variant predicted to be tolerated by in silico tool(s) or not conserved in placental mammals with a minor amino acid change. Additional information: Variant is predicted to result in a missense amino acid change from Asn to Ser; This variant is heterozygous; This gene is associated with autosomal recessive disease; This variant has no previous evidence of pathogenicity; No published evidence of segregation with disease has been identified for this variant; No published functional evidence has been identified for this variant; No comparable missense variants have previous evidence for pathogenicity; Variant is located in the annotated enoyl-CoA hydratase/isomerase domain (DECIPHER); Loss of function is a known mechanism of disease in this gene and is associated with mitochondrial short-chain enoyl-CoA hydratase 1 deficiency (MIM#616277); Variants in this gene are known to have variable expressivity. The age at onset and clinical manifestations of ECHS1 deficiency, are known to vary from severe neonatal onset to a slowly progressive juvenile form (PMID: 36064416).

Literature cited by the submitters: PubMed 36064416.

NM_004092.4(ECHS1):c.209A>G (p.Asn70Ser)

Gene: ECHS1 (enoyl-CoA hydratase, short chain 1; minus strand). Cytogenetic location: 10q26.3.
Variant type: single nucleotide variant.
Coding change: c.209A>G on transcript NM_004092.4 (MANE Select); coding-DNA position 209, A replaced by G.
Protein change: p.Asn70Ser; replaces asparagine 70 with serine.
Molecular consequence: missense variant.
Genome position (GRCh38, 1-based): chr10:133,370,637, T>C on the plus strand (A>G on the coding strand, the complement: ECHS1 is on the minus strand). VCF-style: chr10-133370637-T-C. GRCh37 (hg19) VCF-style: chr10-135184141-T-C.
Other names: short protein forms N70S.
Identifiers: ClinVar variation 4819067 (VCV004819067.1).
Genomic context (GRCh38, chr10:133,370,637, plus strand): 5'-CCGCCGGTGAGGACAATGGCCCCCACGGCCGGGTCCTCCTCGAAGGTCTTCAGGGCCTGG[T>C]TGAGCTCGTCAATCAGGCCATCGCAAAGTGCATTGAGGGCCTTGGGGCGGTTCAGTTGGA-3'
Protein context (NP_004083.3, residues 60-80): ALCDGLIDEL[Asn70Ser]QALKTFEEDP